The following is an entry in ClinVar:

NM_002691.4(POLD1):c.113T>C (p.Leu38Pro)

Gene: POLD1 (DNA polymerase delta 1, catalytic subunit; plus strand). Cytogenetic location: 19q13.33.
Variant type: single nucleotide variant.
Coding change: c.113T>C on transcript NM_002691.4 (MANE Select); coding-DNA position 113, T replaced by C.
Protein change: p.Leu38Pro; replaces leucine 38 with proline.
Molecular consequence: missense variant. On other transcripts: non-coding transcript variant (1).
Genome position (GRCh38, 1-based): chr19:50,398,964, T>C. VCF-style: chr19-50398964-T-C. GRCh37 (hg19) VCF-style: chr19-50902221-T-C.
Other names: c.113T>C, p.Leu38Pro (NM_001256849.1, NM_001308632.1); short protein forms L38P.
Identifiers: ClinVar variation 3421958 (VCV003421958.1).

ClinVar aggregate classification (germline): Uncertain significance (1 of 4 stars; one submission).

Conditions:
Hereditary cancer-predisposing syndrome. Also called: Neoplastic Syndromes, Hereditary; Tumor predisposition; Hereditary Cancer Syndrome; Hereditary neoplastic syndrome. Identifiers: Orphanet 140162, MedGen C0027672, MeSH D009386, MONDO:0015356.

Submission:

Ambry Genetics
Classification: Uncertain significance for Hereditary cancer-predisposing syndrome. Last evaluated: 2024-08-26. Review status: criteria provided, single submitter. Criteria: Ambry Variant Classification Scheme 2023. Collection method: clinical testing. Allele origin: germline.
Comment: The p.L38P variant (also known as c.113T>C), located in coding exon 1 of the POLD1 gene, results from a T to C substitution at nucleotide position 113. The leucine at codon 38 is replaced by proline, an amino acid with similar properties. This amino acid position is conserved. In addition, this alteration is predicted to be tolerated by in silico analysis. Based on the available evidence, the clinical significance of this variant remains unclear.